The following is an entry in ClinVar:

NM_022552.5(DNMT3A):c.327G>A (p.Gly109=)

Gene: DNMT3A (DNA methyltransferase 3 alpha; minus strand). Cytogenetic location: 2p23.3.
Variant type: single nucleotide variant.
Coding change: c.327G>A on transcript NM_022552.5 (MANE Select); coding-DNA position 327, G replaced by A.
Protein change: p.Gly109=; no amino-acid change (glycine 109 retained).
Molecular consequence: synonymous variant. On other transcripts: non-coding transcript variant (1).
Genome position (GRCh38, 1-based): chr2:25,282,562, C>T on the plus strand (G>A on the coding strand, the complement: DNMT3A is on the minus strand). VCF-style: chr2-25282562-C-T. GRCh37 (hg19) VCF-style: chr2-25505431-C-T.
Other names: c.327G>A, p.Gly109= (NM_001320892.2, NM_175629.2, NM_175630.1).
Identifiers: ClinVar variation 3354180 (VCV003354180.1).

ClinVar aggregate classification (germline): Likely benign (0 of 4 stars; one submission).

Conditions:
DNMT3A-related disorder. Also called: DNMT3A-related disorders; DNMT3A-related condition.

gnomAD v4.1: 11 of 1,613,266 alleles (0.00068%); highest among the groups gnomAD compares: South Asian, 0.0044%; no homozygotes.

Submission:

PreventionGenetics, part of Exact Sciences
Classification: Likely benign for DNMT3A-related condition. Last evaluated: 2023-06-13. Review status: no assertion criteria provided. Collection method: clinical testing. Allele origin: germline.
Comment: This variant is classified as likely benign based on ACMG/AMP sequence variant interpretation guidelines (Richards et al. 2015 PMID: 25741868, with internal and published modifications).